The following is an entry in ClinVar:

NM_000179.3(MSH6):c.1324_1366dup (p.Trp456delinsTyrTrpSerGlnTer)

Gene: MSH6 (mutS homolog 6; plus strand). Cytogenetic location: 2p16.3.
Variant type: Duplication.
Coding change: c.1324_1366dup on transcript NM_000179.3 (MANE Select); coding-DNA positions 1324 to 1366, 43 bases duplicated.
Protein change: p.Trp456delinsTyrTrpSerGlnTer.
Molecular consequence: nonsense. On other transcripts: non-coding transcript variant (4), intron variant (1).
Genome position (GRCh38, 1-based): chr2:47,799,307-47,799,349, 43 bases duplicated; duplicating any 43 consecutive bases within chr2:47,799,306-47,799,349 gives the same sequence; the c. name uses the placement nearest the transcript's 3' end. GRCh37 (hg19): chr2:48,026,446-48,026,488.
Other names: c.934_976dup, p.Trp326delinsTyrTrpSerGlnTer (NM_001281492.2); c.418_460dup, p.Trp154delinsTyrTrpSerGlnTer (NM_001281493.2, NM_001281494.2, NM_001406811.1 and 6 more transcripts); c.1420_1462dup, p.Trp488delinsTyrTrpSerGlnTer (NM_001406795.1, NM_001406802.1); c.1324_1366dup, p.Trp456delinsTyrTrpSerGlnTer (NM_001406796.1, NM_001406798.1, NM_001406800.1 and 4 more transcripts); c.1027_1069dup, p.Trp357delinsTyrTrpSerGlnTer (NM_001406797.1, NM_001406801.1, NM_001406805.1 and 10 more transcripts); c.799_841dup, p.Trp281delinsTyrTrpSerGlnTer (NM_001406799.1, NM_001406806.1, NM_001406807.1); c.1246_1288dup, p.Trp430delinsTyrTrpSerGlnTer (NM_001406804.1); c.1330_1372dup, p.Trp458delinsTyrTrpSerGlnTer (NM_001406813.1); and 2 more.
Identifiers: ClinVar variation 2673763 (VCV002673763.1), dbSNP rs2530603072, ClinGen allele CA2695200569.

ClinVar aggregate classification (germline): Pathogenic (1 of 4 stars; one submission).

Conditions:
Lynch syndrome 5 (LYNCH5). Also called: Colorectal cancer, hereditary nonpolyposis, type 5; Hereditary non-polyposis colorectal cancer, type 5. Identifiers: Orphanet 144, MedGen C1833477, MONDO:0013710, OMIM 614350. Disease mechanism: loss of function.

Submission:

Myriad Genetics, Inc.
Classification: Pathogenic for Lynch syndrome 5. Last evaluated: 2023-08-14. Review status: criteria provided, single submitter. Criteria: Myriad Autosomal Dominant, Autosomal Recessive and X-Linked Classification Criteria (2023). Collection method: clinical testing. Allele origin: unknown.
Comment: This variant is considered pathogenic. This variant creates a frameshift predicted to result in premature protein truncation.